The following is an entry in ClinVar:

ClinVar aggregate classification (germline): Likely pathogenic (1 of 4 stars; one submission).

Submission:

Labcorp Genetics (formerly Invitae), Labcorp
Classification: Likely pathogenic. Last evaluated: 2022-03-24. Review status: criteria provided, single submitter. Criteria: Invitae Variant Classification Sherloc (09022015). Collection method: clinical testing. Allele origin: germline.
Comment: In summary, the currently available evidence indicates that the variant is pathogenic, but additional data are needed to prove that conclusively. Therefore, this variant has been classified as Likely Pathogenic. This variant disrupts a region of the FAM161A protein in which other variant(s) (p.Arg523Gly) have been observed in individuals with FAM161A-related conditions (PMID: 22581970). This suggests that this is a clinically significant region of the protein, and that variants that disrupt it are likely to be disease-causing. This variant has not been reported in the literature in individuals affected with FAM161A-related conditions. This variant results in the deletion of part of exon 3 and exons 4-5 (c.823_1852-3820del) of the FAM161A gene. It is expected to disrupt RNA splicing. Variants that disrupt the donor or acceptor splice site typically lead to a loss of protein function (PMID: 16199547), and loss-of-function variants in FAM161A are known to be pathogenic (PMID: 20705278, 20705279, 24651477).

Literature cited by the submitters: PubMed 22581970; PubMed 16199547; PubMed 20705278; PubMed 20705279; PubMed 24651477.

NC_000002.11:g.(?_62058213)_(62067316_?)del

Gene: FAM161A (FAM161 centrosomal protein A; minus strand). Cytogenetic location: 2p15.
Variant type: Deletion.
Identifiers: ClinVar variation 2423968 (VCV002423968.4).